The following is an entry in ClinVar:

ClinVar aggregate classification (germline): Uncertain significance (1 of 4 stars; one submission).

Conditions:
Amyotrophic lateral sclerosis type 15. Also called: AMYOTROPHIC LATERAL SCLEROSIS 15 WITH FRONTOTEMPORAL DEMENTIA. Identifiers: Orphanet 803, MedGen C3275459, MONDO:0010459, OMIM 300857.

gnomAD v4.1: 2 of 1,210,940 alleles (0.00017%); highest among the groups gnomAD compares: Admixed American, 0.0022%; no homozygotes.

Submission:

Labcorp Genetics (formerly Invitae), Labcorp
Classification: Uncertain significance for Amyotrophic lateral sclerosis type 15. Last evaluated: 2025-07-24. Review status: criteria provided, single submitter. Criteria: Invitae Variant Classification Sherloc (09022015). Collection method: clinical testing. Allele origin: germline.
Comment: This sequence change replaces leucine, which is neutral and non-polar, with phenylalanine, which is neutral and non-polar, at codon 455 of the UBQLN2 protein (p.Leu455Phe). This variant is not present in population databases (gnomAD no frequency). This variant has not been reported in the literature in individuals affected with UBQLN2-related conditions. Invitae Evidence Modeling of protein sequence and biophysical properties (such as structural, functional, and spatial information, amino acid conservation, physicochemical variation, residue mobility, and thermodynamic stability) has been performed for this missense variant. However, the output from this modeling did not meet the statistical confidence thresholds required to predict the impact of this variant on UBQLN2 protein function. In summary, the available evidence is currently insufficient to determine the role of this variant in disease. Therefore, it has been classified as a Variant of Uncertain Significance.

NM_013444.4(UBQLN2):c.1365A>C (p.Leu455Phe)

Gene: UBQLN2 (ubiquilin 2; plus strand). Cytogenetic location: Xp11.21.
Variant type: single nucleotide variant.
Coding change: c.1365A>C on transcript NM_013444.4 (MANE Select); coding-DNA position 1365, A replaced by C.
Protein change: p.Leu455Phe; replaces leucine 455 with phenylalanine.
Molecular consequence: missense variant.
Genome position (GRCh38, 1-based): chrX:56,565,238, A>C. VCF-style: chrX-56565238-A-C. GRCh37 (hg19) VCF-style: chrX-56591671-A-C.
Other names: short protein forms L455F.
Identifiers: ClinVar variation 4705067 (VCV004705067.1).